The following is an entry in ClinVar:

ClinVar aggregate classification (germline): Uncertain significance. Review status: criteria provided, multiple submitters, no conflicts (2 of 4 stars). 4 submissions from 4 submitters: Uncertain significance (4). Last evaluated 2026-02-17.

Conditions:
Ehlers-Danlos syndrome, classic type, 1 (EDSCL1). Also called: Ehlers-Danlos Syndrome, Classic Type, COL5A1-Related; EHLERS-DANLOS SYNDROME, GRAVIS TYPE; EHLERS-DANLOS SYNDROME, SEVERE CLASSIC TYPE; Ehlers-Danlos syndrome, type 1; EDS I. Identifiers: MedGen C0268335, MONDO:0019567, OMIM 130000.
Familial thoracic aortic aneurysm and aortic dissection (TAAD). Also called: Thoracic aortic aneurysms and dissections. Identifiers: Orphanet 91387, MedGen C4707243, MONDO:0019625.

Allele frequency attached by ClinVar (database versions not stated): ExAC 0.00002; ESP Exome Variant Server 0.00008; TOPMed 0.00002; gnomAD exomes 0.00001.
gnomAD v4.1: 22 of 1,609,312 alleles (0.0014%); highest among the groups gnomAD compares: South Asian, 0.0055%; no homozygotes.

Submissions (5):

Women's Health and Genetics/Laboratory Corporation of America, LabCorp
Classification: Uncertain significance. Last evaluated: 2026-02-17. Review status: criteria provided, single submitter. Criteria: LabCorp Variant Classification Summary - May 2015. Collection method: clinical testing. Allele origin: germline.
Comment: Variant summary: COL5A1 c.4554+5G>A alters a conserved nucleotide located close to a canonical splice site and therefore could affect mRNA splicing, leading to a significantly altered protein sequence. Several computational tools predict a significant impact on normal splicing: Four predict the variant weakens a 5' donor site. However, these predictions have yet to be confirmed by functional studies. The variant allele was found at a frequency of 8e-06 in 250454 control chromosomes. The available data on variant occurrences in the general population are insufficient to allow any conclusion about variant significance. To our knowledge, no occurrence of c.4554+5G>A in individuals affected with COL5A1-related conditions and no experimental evidence demonstrating its impact on protein function have been reported. ClinVar contains an entry for this variant (Variation ID: 212982). Based on the evidence outlined above, the variant was classified as uncertain significance.

Labcorp Genetics (formerly Invitae), Labcorp
Classification: Uncertain significance for Ehlers-Danlos syndrome, classic type, 1. Last evaluated: 2024-11-21. Review status: criteria provided, single submitter. Criteria: Invitae Variant Classification Sherloc (09022015). Collection method: clinical testing. Allele origin: germline.
Comment: This sequence change falls in intron 58 of the COL5A1 gene. It does not directly change the encoded amino acid sequence of the COL5A1 protein. It affects a nucleotide within the consensus splice site. This variant is present in population databases (rs375489070, gnomAD 0.003%). This variant has not been reported in the literature in individuals affected with COL5A1-related conditions. ClinVar contains an entry for this variant (Variation ID: 212982). Variants that disrupt the consensus splice site are a relatively common cause of aberrant splicing (PMID: 17576681, 9536098). Algorithms developed to predict the effect of sequence changes on RNA splicing suggest that this variant may disrupt the consensus splice site. In summary, the available evidence is currently insufficient to determine the role of this variant in disease. Therefore, it has been classified as a Variant of Uncertain Significance.

Ambry Genetics
Classification: Uncertain significance for Familial thoracic aortic aneurysm and aortic dissection. Last evaluated: 2019-04-04. Review status: criteria provided, single submitter. Criteria: Ambry Variant Classification Scheme 2023. Collection method: clinical testing. Allele origin: germline.
Comment: The c.4554+5G>A intronic variant results from a G to A substitution 5 nucleotides after coding exon 58 in the COL5A1 gene. This nucleotide position is well conserved in available vertebrate species; however, adenine is the reference nucleotide in other vertebrate species. Using the BDGP and ESEfinder splice site prediction tools, this alteration is predicted to weaken the efficiency of the native splice donor site; however, direct evidence is unavailable. Since supporting evidence is limited at this time, the clinical significance of this alteration remains unclear.

GeneDx
Classification: Uncertain significance. Last evaluated: 2017-01-20. Review status: criteria provided, single submitter. Criteria: GeneDx Variant Classification (06012015). Collection method: clinical testing. Allele origin: germline. Affected: yes.
Comment: c.4554+5 G>A in intron 58 of the COL5A1 gene (NM_000093.3)IVS58+5 G>A : c.4554+5 G>A in intron 58 of the COL5A1 gene (NM_000093.3). The c.4554+5 G>A variant in the COL5A1 gene has not been reported as a disease-causing mutation or as a benign polymorphism to our knowledge. In silico splice prediction algorithms predict c.4554+5 G>A damages or destroys the natural donor site and may cause abnormal gene splicing. Other splice mutations in the COL5A1 gene have been reported in assocation with Ehlers Danlos syndrome. The c.4554+5 G>A variant was not observed with any significant frequency in approximately 6,500 individuals of European and African American ancestry in the NHLBI Exome Sequencing Project.Therefore, based on the currently available information, it is unclear whether c.4554+5 G>A is a pathogenic mutation or a rare benign variant.This variant was found in COL5A1,TAAD

Dr. Peter K. Rogan Lab, Western University
No classification provided (evidence only). Condition: Sarcoma. Review status: no classification provided. Collection method: in vitro. Allele origin: not applicable. Functional consequence: retained intron. Not counted in ClinVar's aggregate classification.

Literature cited by the submitters: PubMed 17576681 (cited by Labcorp Genetics (formerly Invitae), Labcorp); PubMed 9536098 (cited by Labcorp Genetics (formerly Invitae), Labcorp).

NM_000093.5(COL5A1):c.4554+5G>A

Genes: COL5A1 (collagen type V alpha 1 chain; plus strand), LOC101448202 (uncharacterized LOC101448202; minus strand). Cytogenetic location: 9q34.3.
Variant type: single nucleotide variant.
Coding change: c.4554+5G>A on transcript NM_000093.5 (MANE Select); 5 bases into the intron after coding-DNA position 4554, G replaced by A.
Molecular consequence: intron variant.
Genome position (GRCh38, 1-based): chr9:134,820,228, G>A. VCF-style: chr9-134820228-G-A. GRCh37 (hg19) VCF-style: chr9-137712074-G-A.
Other names: c.4554+5G>A (NM_001278074.1).
Identifiers: ClinVar variation 212982 (VCV000212982.15), dbSNP rs375489070, ClinGen allele CA321389.